The following is an entry in ClinVar:

NM_000443.4(ABCB4):c.2683-197T>C

Gene: ABCB4 (ATP binding cassette subfamily B member 4; minus strand). Cytogenetic location: 7q21.12.
Variant type: single nucleotide variant.
Coding change: c.2683-197T>C on transcript NM_000443.4 (MANE Select); 197 bases into the intron before coding-DNA position 2683, T replaced by C.
Molecular consequence: intron variant.
Genome position (GRCh38, 1-based): chr7:87,413,914, A>G on the plus strand (T>C on the coding strand, the complement: ABCB4 is on the minus strand). VCF-style: chr7-87413914-A-G. GRCh37 (hg19) VCF-style: chr7-87043230-A-G.
Other names: c.2683-197T>C (NM_018850.3, NM_018849.3).
Identifiers: ClinVar variation 1247964 (VCV001247964.4), dbSNP rs17149547, ClinGen allele CA15494167.
Genomic context (GRCh38, chr7:87,413,914, plus strand): 5'-AGGCATAATCTGTTCAAGACTAGCTTTATGACAAAACTGGTACTTCTGGCTGTGCTAAGT[A>G]TGGTAGGCAAGTCTTTGTATGCTCAGGAAGGCTGATCAGCTAAGGGCAAGAACTGTGGCC-3'

ClinVar aggregate classification (germline): Benign. Review status: criteria provided, multiple submitters, no conflicts (2 of 4 stars). 3 submissions from 3 submitters: Benign (3). Last evaluated 2026-04-14.

Conditions:
Low phospholipid associated cholelithiasis (GBD1). Also called: Gallstone cholecystitis; Gallbladder disease 1. Identifiers: Orphanet 69663, MedGen C2609268, MONDO:0010939, OMIM 600803.
Familial intrahepatic cholestasis. Identifiers: Orphanet 284385, MedGen CN296401, MONDO:0017290.

Allele frequency attached by ClinVar (database versions not stated): 1000 Genomes Project 30x 0.06230; 1000 Genomes Project 0.06430; TOPMed 0.05492; gnomAD 0.05643 and 0.05953.
gnomAD v4.1: 9,101 of 152,336 alleles (6%); highest among the groups gnomAD compares: South Asian, 16%; 332 homozygotes.

Submissions (3):

Genomenon, Inc
Classification: Benign for Familial intrahepatic cholestasis; Low phospholipid associated cholelithiasis. Last evaluated: 2026-04-14. Review status: criteria provided, single submitter. Criteria: Genomenon Sequence Variant Interpretation Standards - Updated. Collection method: curation. Allele origin: germline. Affected: no.
Comment: ABCB4 c.2683-197T>C is a deep intronic variant located in intron 21. This variant is present at high allele frequency in population databases. We classify ABCB4 c.2683-197T>C as a benign variant.

GeneDx
Classification: Benign. Last evaluated: 2021-05-08. Review status: criteria provided, single submitter. Criteria: GeneDx Variant Classification Process June 2021. Collection method: clinical testing. Allele origin: germline. Affected: yes.

Breakthrough Genomics
Classification: Benign. Review status: criteria provided, single submitter. Criteria: ACMG Guidelines, 2015. Collection method: not provided. Allele origin: germline. Inheritance: Autosomal recessive inheritance. Affected: yes.